The following is an entry in ClinVar:

NM_031935.3(HMCN1):c.4787A>T (p.Tyr1596Phe)

Gene: HMCN1 (hemicentin 1; plus strand). Cytogenetic location: 1q31.1.
Variant type: single nucleotide variant.
Coding change: c.4787A>T on transcript NM_031935.3 (MANE Select); coding-DNA position 4787, A replaced by T.
Protein change: p.Tyr1596Phe; replaces tyrosine 1596 with phenylalanine.
Molecular consequence: missense variant.
Genome position (GRCh38, 1-based): chr1:186,015,315, A>T. VCF-style: chr1-186015315-A-T. GRCh37 (hg19) VCF-style: chr1-185984447-A-T.
Other names: short protein forms Y1596F.
Identifiers: ClinVar variation 1716823 (VCV001716823.5), dbSNP rs1571718678, ClinGen allele CA343885268.

ClinVar aggregate classification (germline): Uncertain significance (1 of 4 stars; one submission).

Submission:

Labcorp Genetics (formerly Invitae), Labcorp
Classification: Uncertain significance. Last evaluated: 2022-08-19. Review status: criteria provided, single submitter. Criteria: Invitae Variant Classification Sherloc (09022015). Collection method: clinical testing. Allele origin: germline.
Comment: This sequence change replaces tyrosine, which is neutral and polar, with phenylalanine, which is neutral and non-polar, at codon 1596 of the HMCN1 protein (p.Tyr1596Phe). This variant is not present in population databases (gnomAD no frequency). This variant has not been reported in the literature in individuals affected with HMCN1-related conditions. Algorithms developed to predict the effect of missense changes on protein structure and function are either unavailable or do not agree on the potential impact of this missense change (SIFT: "Deleterious"; PolyPhen-2: "Probably Damaging"; Align-GVGD: "Class C0"). In summary, the available evidence is currently insufficient to determine the role of this variant in disease. Therefore, it has been classified as a Variant of Uncertain Significance.